The following is an entry in ClinVar:

NM_000051.4(ATM):c.2639-15G>T

Gene: ATM (ATM serine/threonine kinase; plus strand). Cytogenetic location: 11q22.3.
Variant type: single nucleotide variant.
Coding change: c.2639-15G>T on transcript NM_000051.4 (MANE Select); 15 bases into the intron before coding-DNA position 2639, G replaced by T.
Molecular consequence: intron variant.
Genome position (GRCh38, 1-based): chr11:108,268,395, G>T. VCF-style: chr11-108268395-G-T. GRCh37 (hg19) VCF-style: chr11-108139122-G-T.
Other names: c.2639-15G>T (NM_001351834.2).
Identifiers: ClinVar variation 2892209 (VCV002892209.4), dbSNP rs757723219, ClinGen allele CA6265091.
Genomic context (GRCh38, chr11:108,268,395, plus strand): 5'-GAAATTTGAGTTAATATGACTATATATGGCTGTTGTGCCCTTCTCTTAGTGTTAATGAGT[G>T]CTTTTTATTTTTAGGTGCCATTAATCCTTTAGCTGAAGAATATCTGTCAAAGCAAGATCT-3'

ClinVar aggregate classification (germline): Likely benign. Review status: criteria provided, multiple submitters, no conflicts (2 of 4 stars). 2 submissions from 2 submitters: Likely benign (2). Last evaluated 2025-12-26.

Conditions:
Familial cancer of breast. Also called: hereditary breast carcinoma; Hereditary breast cancer; BREAST CANCER, FAMILIAL. Identifiers: Orphanet 227535, MedGen C0346153, MONDO:0016419, OMIM 114480. Disease mechanism: loss of function.
Ataxia-telangiectasia syndrome (AT). Also called: Cerebello-oculocutaneous telangiectasia; Immunodeficiency with ataxia telangiectasia; AT, COMPLEMENTATION GROUP C; ATAXIA-TELANGIECTASIA, FRESNO VARIANT; ATAXIA-TELANGIECTASIA, COMPLEMENTATION GROUP A; Ataxia-telangiectasia. Identifiers: Orphanet 100, MedGen C0004135, MONDO:0008840, OMIM 208900.

Allele frequency attached by ClinVar (database versions not stated): gnomAD exomes below 0.00001; ExAC 0.00001.
gnomAD v4.1: 1 of 1,611,890 alleles (0.000062%); highest among the groups gnomAD compares: Admixed American, 0.0017%; no homozygotes.

Submissions (2):

Labcorp Genetics (formerly Invitae), Labcorp
Classification: Likely benign for Ataxia-telangiectasia syndrome. Last evaluated: 2025-12-26. Review status: criteria provided, single submitter. Criteria: Invitae Variant Classification Sherloc (09022015). Collection method: clinical testing. Allele origin: germline.

Myriad Genetics, Inc.
Classification: Likely benign for Familial cancer of breast. Last evaluated: 2024-05-10. Review status: criteria provided, single submitter. Criteria: Myriad Autosomal Dominant, Autosomal Recessive and X-Linked Classification Criteria (2023). Collection method: clinical testing. Allele origin: unknown.
Comment: This variant is considered likely benign. This variant is intronic and is not expected to impact mRNA splicing.